The following is an entry in ClinVar:

ClinVar aggregate classification (germline): Uncertain significance (1 of 4 stars; one submission).

Allele frequency attached by ClinVar (database versions not stated): gnomAD exomes below 0.00001 and 0.00001; gnomAD 0.00001.
gnomAD v4.1: 3 of 1,614,022 alleles (0.00019%); highest among the groups gnomAD compares: Admixed American, 0.005%; no homozygotes.

Submission:

Labcorp Genetics (formerly Invitae), Labcorp
Classification: Uncertain significance. Last evaluated: 2022-03-20. Review status: criteria provided, single submitter. Criteria: Invitae Variant Classification Sherloc (09022015). Collection method: clinical testing. Allele origin: germline.
Comment: In summary, the available evidence is currently insufficient to determine the role of this variant in disease. Therefore, it has been classified as a Variant of Uncertain Significance. Algorithms developed to predict the effect of missense changes on protein structure and function output the following: SIFT: "Tolerated"; PolyPhen-2: "Benign"; Align-GVGD: "Class C0". The alanine amino acid residue is found in multiple mammalian species, which suggests that this missense change does not adversely affect protein function. This variant has not been reported in the literature in individuals affected with DTNBP1-related conditions. This variant is present in population databases (no rsID available, gnomAD 0.006%). This sequence change replaces glutamic acid, which is acidic and polar, with alanine, which is neutral and non-polar, at codon 273 of the DTNBP1 protein (p.Glu273Ala).

NM_032122.5(DTNBP1):c.818A>C (p.Glu273Ala)

Gene: DTNBP1 (dystrobrevin binding protein 1; minus strand). Cytogenetic location: 6p22.3.
Variant type: single nucleotide variant.
Coding change: c.818A>C on transcript NM_032122.5 (MANE Select); coding-DNA position 818, A replaced by C.
Protein change: p.Glu273Ala; replaces glutamic acid 273 with alanine.
Molecular consequence: missense variant.
Genome position (GRCh38, 1-based): chr6:15,523,213, T>G on the plus strand (A>C on the coding strand, the complement: DTNBP1 is on the minus strand). VCF-style: chr6-15523213-T-G. GRCh37 (hg19) VCF-style: chr6-15523444-T-G.
Other names: c.575A>C, p.Glu192Ala (NM_001271667.2); c.767A>C, p.Glu256Ala (NM_001271668.2); c.713A>C, p.Glu238Ala (NM_001271669.2); short protein forms E192A, E256A, E273A, E238A.
Identifiers: ClinVar variation 1493670 (VCV001493670.4), dbSNP rs1213871304, ClinGen allele CA362805386.